The following is an entry in ClinVar:

NM_000059.4(BRCA2):c.9347C>T (p.Pro3116Leu)

Gene: BRCA2 (BRCA2 DNA repair associated; plus strand). Cytogenetic location: 13q13.1.
Variant type: single nucleotide variant.
Coding change: c.9347C>T on transcript NM_000059.4 (MANE Select); coding-DNA position 9347, C replaced by T.
Protein change: p.Pro3116Leu; replaces proline 3116 with leucine.
Molecular consequence: missense variant.
Genome position (GRCh38, 1-based): chr13:32,394,779, C>T. VCF-style: chr13-32394779-C-T. GRCh37 (hg19) VCF-style: chr13-32968916-C-T.
Other names: short protein forms P3116L.
Identifiers: ClinVar variation 823179 (VCV000823179.15), dbSNP rs1220080934, ClinGen allele CA387761078.

ClinVar aggregate classification (germline): Conflicting classifications of pathogenicity. Review status: criteria provided, conflicting classifications (1 of 4 stars). 2 submissions from 2 submitters: Uncertain significance (1); Likely benign (1). Last evaluated 2025-05-15.

Conditions:
Hereditary cancer-predisposing syndrome. Also called: Tumor predisposition; Hereditary Cancer Syndrome; Neoplastic Syndromes, Hereditary; Hereditary neoplastic syndrome. Identifiers: Orphanet 140162, MedGen C0027672, MeSH D009386, MONDO:0015356.
Hereditary breast ovarian cancer syndrome. Also called: Hereditary breast and ovarian cancer; Breast and ovarian cancer; Hereditary breast and/or ovarian cancer syndrome; Hereditary breast and ovarian cancer syndrome; BRCA1- and BRCA2-Associated Hereditary Breast and Ovarian Cancer; Hereditary breast and ovarian cancer syndrome (HBOC). Identifiers: Orphanet 145, MedGen C0677776, MeSH D061325, MONDO:0003582. Disease mechanism: loss of function.

Submissions (2):

Ambry Genetics
Classification: Likely benign for Hereditary cancer-predisposing syndrome. Last evaluated: 2025-05-15. Review status: criteria provided, single submitter. Criteria: Ambry Variant Classification Scheme 2023. Collection method: clinical testing. Allele origin: germline.

Labcorp Genetics (formerly Invitae), Labcorp
Classification: Uncertain significance for Hereditary breast ovarian cancer syndrome. Last evaluated: 2021-02-14. Review status: criteria provided, single submitter. Criteria: Invitae Variant Classification Sherloc (09022015). Collection method: clinical testing. Allele origin: germline.
Comment: In summary, the available evidence is currently insufficient to determine the role of this variant in disease. Therefore, it has been classified as a Variant of Uncertain Significance. Algorithms developed to predict the effect of missense changes on protein structure and function output the following: SIFT: "Tolerated"; PolyPhen-2: "Benign"; Align-GVGD: "Class C0". The leucine amino acid residue is found in multiple mammalian species, suggesting that this missense change does not adversely affect protein function. These predictions have not been confirmed by published functional studies and their clinical significance is uncertain. This variant has not been reported in the literature in individuals with BRCA2-related conditions. This variant is not present in population databases (ExAC no frequency). This sequence change replaces proline with leucine at codon 3116 of the BRCA2 protein (p.Pro3116Leu). The proline residue is highly conserved and there is a moderate physicochemical difference between proline and leucine.